The following is an entry in ClinVar:

ClinVar aggregate classification (germline): Uncertain significance. Review status: criteria provided, multiple submitters, no conflicts (2 of 4 stars). 3 submissions from 3 submitters: Uncertain significance (3). Last evaluated 2023-02-23.

Conditions:
Spastic paraplegia. Identifiers: MedGen C0037772, HP:0001258.
SACS-related disorder. Also called: SACS-related condition.
Inborn genetic diseases. Identifiers: MedGen C0950123, MeSH D030342.

Allele frequency attached by ClinVar (database versions not stated): TOPMed below 0.00001; gnomAD 0.00001; gnomAD exomes 0.00001.
gnomAD v4.1: 4 of 1,612,938 alleles (0.00025%); highest among the groups gnomAD compares: Non-Finnish European, 0.00034%; no homozygotes.

Submissions (3):

Ambry Genetics
Classification: Uncertain significance for Inborn genetic diseases. Last evaluated: 2023-02-23. Review status: criteria provided, single submitter. Criteria: Ambry Variant Classification Scheme 2023. Collection method: clinical testing. Allele origin: germline.

PreventionGenetics, part of Exact Sciences
Classification: Uncertain significance for SACS-related condition. Last evaluated: 2022-12-08. Review status: criteria provided, single submitter. Criteria: ACMG Guidelines, 2015. Collection method: clinical testing. Allele origin: germline.
Comment: The SACS c.5035T>A variant is predicted to result in the amino acid substitution p.Cys1679Ser. To our knowledge, this variant has not been reported in the literature. This variant is reported in 0.00088% of alleles in individuals of European (Non-Finnish) descent in gnomAD. At this time, the clinical significance of this variant is uncertain due to the absence of conclusive functional and genetic evidence.

Labcorp Genetics (formerly Invitae), Labcorp
Classification: Uncertain significance for Spastic paraplegia. Last evaluated: 2022-01-28. Review status: criteria provided, single submitter. Criteria: Invitae Variant Classification Sherloc (09022015). Collection method: clinical testing. Allele origin: germline.
Comment: This sequence change replaces cysteine, which is neutral and slightly polar, with serine, which is neutral and polar, at codon 1679 of the SACS protein (p.Cys1679Ser). This variant is present in population databases (no rsID available, gnomAD 0.0009%). This variant has not been reported in the literature in individuals affected with SACS-related conditions. Advanced modeling of protein sequence and biophysical properties (such as structural, functional, and spatial information, amino acid conservation, physicochemical variation, residue mobility, and thermodynamic stability) performed at Invitae indicates that this missense variant is not expected to disrupt SACS protein function. In summary, the available evidence is currently insufficient to determine the role of this variant in disease. Therefore, it has been classified as a Variant of Uncertain Significance.

NM_014363.6(SACS):c.5035T>A (p.Cys1679Ser)

Gene: SACS (sacsin molecular chaperone; minus strand). Cytogenetic location: 13q12.12.
Variant type: single nucleotide variant.
Coding change: c.5035T>A on transcript NM_014363.6 (MANE Select); coding-DNA position 5035, T replaced by A.
Protein change: p.Cys1679Ser; replaces cysteine 1679 with serine.
Molecular consequence: missense variant.
Genome position (GRCh38, 1-based): chr13:23,338,841, A>T on the plus strand (T>A on the coding strand, the complement: SACS is on the minus strand). VCF-style: chr13-23338841-A-T. GRCh37 (hg19) VCF-style: chr13-23912980-A-T.
Other names: c.4594T>A, p.Cys1532Ser (NM_001278055.2); c.5035T>A (NM_014363.4, NM_014363.5); short protein forms C1679S, C1532S.
Identifiers: ClinVar variation 2166271 (VCV002166271.4), dbSNP rs1253494697, ClinGen allele CA387526850.